The following is an entry in ClinVar:

NM_145068.4(TRPV3):c.1401+5G>T

Gene: TRPV3 (transient receptor potential cation channel subfamily V member 3; minus strand). Cytogenetic location: 17p13.2.
Variant type: single nucleotide variant.
Coding change: c.1401+5G>T on transcript NM_145068.4 (MANE Select); 5 bases into the intron after coding-DNA position 1401, G replaced by T.
Molecular consequence: intron variant.
Genome position (GRCh38, 1-based): chr17:3,528,832, C>A on the plus strand (G>T on the coding strand, the complement: TRPV3 is on the minus strand). VCF-style: chr17-3528832-C-A. GRCh37 (hg19) VCF-style: chr17-3432126-C-A.
Other names: c.1401+5G>T (NM_001258205.2).
Identifiers: ClinVar variation 3621752 (VCV003621752.2).

ClinVar aggregate classification (germline): Uncertain significance (1 of 4 stars; one submission).

Submission:

Labcorp Genetics (formerly Invitae), Labcorp
Classification: Uncertain significance. Last evaluated: 2024-02-20. Review status: criteria provided, single submitter. Criteria: Invitae Variant Classification Sherloc (09022015). Collection method: clinical testing. Allele origin: germline.
Comment: This sequence change falls in intron 10 of the TRPV3 gene. It does not directly change the encoded amino acid sequence of the TRPV3 protein. It affects a nucleotide within the consensus splice site. This variant is not present in population databases (gnomAD no frequency). This variant has not been reported in the literature in individuals affected with TRPV3-related conditions. Variants that disrupt the consensus splice site are a relatively common cause of aberrant splicing (PMID: 17576681, 9536098). Algorithms developed to predict the effect of sequence changes on RNA splicing suggest that this variant is not likely to affect RNA splicing. In summary, the available evidence is currently insufficient to determine the role of this variant in disease. Therefore, it has been classified as a Variant of Uncertain Significance.

Literature cited by the submitters: PubMed 17576681; PubMed 9536098.